The following is an entry in ClinVar:

NM_004172.5(SLC1A3):c.623C>T (p.Thr208Met)

Genes: SLC1A3 (solute carrier family 1 member 3; plus strand), SLC1A3-AS1 (SLC1A3 antisense RNA 1; minus strand). Cytogenetic location: 5p13.2.
Variant type: single nucleotide variant.
Coding change: c.623C>T on transcript NM_004172.5 (MANE Select); coding-DNA position 623, C replaced by T.
Protein change: p.Thr208Met; replaces threonine 208 with methionine.
Molecular consequence: missense variant. On other transcripts: intron variant (1).
Genome position (GRCh38, 1-based): chr5:36,676,947, C>T. VCF-style: chr5-36676947-C-T. GRCh37 (hg19) VCF-style: chr5-36677049-C-T.
Other names: c.623C>T, p.Thr208Met (NM_001166695.3); c.485C>T, p.Thr162Met (NM_001289939.2); c.525-2680C>T (NM_001289940.2); short protein forms T162M, T208M.
Identifiers: ClinVar variation 3605333 (VCV003605333.3).

ClinVar aggregate classification (germline): Uncertain significance. Review status: criteria provided, multiple submitters, no conflicts (2 of 4 stars). 2 submissions from 2 submitters: Uncertain significance (2). Last evaluated 2025-12-22.

gnomAD v4.1: 166 of 1,613,822 alleles (0.01%); highest among the groups gnomAD compares: Non-Finnish European, 0.014%; no homozygotes.

Submissions (2):

Labcorp Genetics (formerly Invitae), Labcorp
Classification: Uncertain significance. Last evaluated: 2025-12-22. Review status: criteria provided, single submitter. Criteria: Invitae Variant Classification Sherloc (09022015). Collection method: clinical testing. Allele origin: germline.
Comment: This sequence change replaces threonine, which is neutral and polar, with methionine, which is neutral and non-polar, at codon 208 of the SLC1A3 protein (p.Thr208Met). The frequency data for this variant in the population databases is considered unreliable, as metrics indicate poor data quality at this position in the gnomAD database. This variant has not been reported in the literature in individuals affected with SLC1A3-related conditions. ClinVar contains an entry for this variant (Variation ID: 3605333). An algorithm developed to predict the effect of missense changes on protein structure and function (PolyPhen-2) suggests that this variant is likely to be disruptive. In summary, the available evidence is currently insufficient to determine the role of this variant in disease. Therefore, it has been classified as a Variant of Uncertain Significance.

Blueprint Genetics
Classification: Uncertain significance. Last evaluated: 2023-02-15. Review status: criteria provided, single submitter. Criteria: ACMG Guidelines, 2015. Collection method: clinical testing. Allele origin: germline.